The following is an entry in ClinVar:

ClinVar aggregate classification (germline): Likely pathogenic (1 of 4 stars; one submission).

Conditions:
Dyskeratosis congenita, autosomal recessive 5 (DKCB5). Identifiers: MedGen C3554656, MONDO:0014076, OMIM 615190.
Pulmonary fibrosis and/or bone marrow failure, Telomere-related, 3. Also called: PULMONARY FIBROSIS AND/OR BONE MARROW FAILURE SYNDROME, TELOMERE-RELATED, 3. Identifiers: Orphanet 2032, MedGen C4225346, MONDO:0014613, OMIM 616373.

Submission:

Labcorp Genetics (formerly Invitae), Labcorp
Classification: Likely pathogenic for Dyskeratosis congenita, autosomal recessive 5; Pulmonary fibrosis and/or bone marrow failure, Telomere-related, 3. Last evaluated: 2023-05-31. Review status: criteria provided, single submitter. Criteria: Invitae Variant Classification Sherloc (09022015). Collection method: clinical testing. Allele origin: unknown.
Comment: In summary, the currently available evidence indicates that the variant is pathogenic, but additional data are needed to prove that conclusively. Therefore, this variant has been classified as Likely Pathogenic. This variant has not been reported in the literature in individuals affected with RTEL1-related conditions. This variant results in the deletion of exons 15-16 and part of exon 17 (c.1192-835_1454del) of the RTEL1 gene. It is expected to disrupt RNA splicing. Variants that disrupt the donor or acceptor splice site typically lead to a loss of protein function (PMID: 16199547), and loss-of-function variants in RTEL1 are known to be pathogenic (PMID: 23453664, 23959892, 25607374).

Literature cited by the submitters: PubMed 16199547; PubMed 23453664; PubMed 23959892; PubMed 25607374.

NC_000020.10:g.(?_62316041)_(62319096_?)del

Gene: RTEL1 (regulator of telomere elongation helicase 1; plus strand). Cytogenetic location: 20q13.33.
Variant type: Deletion.
Identifiers: ClinVar variation 3248305 (VCV003248305.1).